The following is an entry in ClinVar:

ClinVar aggregate classification (germline): Uncertain significance (1 of 4 stars; one submission).

Submission:

GeneDx
Classification: Uncertain significance. Last evaluated: 2023-06-13. Review status: criteria provided, single submitter. Criteria: GeneDx Variant Classification Process June 2021. Collection method: clinical testing. Allele origin: germline. Affected: yes.
Comment: Not observed at significant frequency in large population cohorts (gnomAD); In silico analysis supports that this missense variant does not alter protein structure/function; Has not been previously published as pathogenic or benign to our knowledge

NM_016148.5(SHANK1):c.5356A>G (p.Thr1786Ala)

Gene: SHANK1 (SH3 and multiple ankyrin repeat domains 1; minus strand). Cytogenetic location: 19q13.33.
Variant type: single nucleotide variant.
Coding change: c.5356A>G on transcript NM_016148.5 (MANE Select); coding-DNA position 5356, A replaced by G.
Protein change: p.Thr1786Ala; replaces threonine 1786 with alanine.
Molecular consequence: missense variant.
Genome position (GRCh38, 1-based): chr19:50,666,604, T>C on the plus strand (A>G on the coding strand, the complement: SHANK1 is on the minus strand). VCF-style: chr19-50666604-T-C. GRCh37 (hg19) VCF-style: chr19-51169861-T-C.
Other names: short protein forms T1786A.
Identifiers: ClinVar variation 3359913 (VCV003359913.1).